The following is an entry in ClinVar:

ClinVar aggregate classification (germline): Likely benign (1 of 4 stars; one submission).

gnomAD v4.1: 1 of 1,551,394 alleles (0.000064%); highest among the groups gnomAD compares: African/African-American, 0.0014%; no homozygotes.

Submission:

GeneDx
Classification: Likely benign. Last evaluated: 2016-04-04. Review status: criteria provided, single submitter. Criteria: GeneDx Variant Classification (06012015). Collection method: clinical testing. Allele origin: germline. Affected: yes.
Comment: This variant is considered likely benign or benign based on one or more of the following criteria: it is a conservative change, it occurs at a poorly conserved position in the protein, it is predicted to be benign by multiple in silico algorithms, and/or has population frequency not consistent with disease.

NM_001134363.3(RBM20):c.3000T>A (p.Pro1000=)

Gene: RBM20 (RNA binding motif protein 20; plus strand). Cytogenetic location: 10q25.2.
Variant type: single nucleotide variant.
Coding change: c.3000T>A on transcript NM_001134363.3 (MANE Select); coding-DNA position 3000, T replaced by A.
Protein change: p.Pro1000=; no amino-acid change (proline 1000 retained).
Molecular consequence: synonymous variant.
Genome position (GRCh38, 1-based): chr10:110,821,619, T>A. VCF-style: chr10-110821619-T-A. GRCh37 (hg19) VCF-style: chr10-112581377-T-A.
Other names: c.3000T>A (LRG_382t1).
Identifiers: ClinVar variation 385173 (VCV000385173.1), dbSNP rs1057522142, ClinGen allele CA16606624.